The following is an entry in ClinVar:

ClinVar aggregate classification (germline): Benign. Review status: criteria provided, multiple submitters, no conflicts (2 of 4 stars). 3 submissions from 3 submitters: Benign (3). Last evaluated 2024-07-15.

Allele frequency attached by ClinVar (database versions not stated): gnomAD exomes 0.97259; 1000 Genomes Project 0.97384; TOPMed 0.97401; gnomAD 0.97436 and 0.97513; 1000 Genomes Project 30x 0.97533.
gnomAD v4.1: 687,176 of 706,274 alleles (97%); highest among the groups gnomAD compares: East Asian, 100%; 334,456 homozygotes.

Submissions (3):

Unidad de Genómica Garrahan, Hospital de Pediatría Garrahan
Classification: Benign. Last evaluated: 2024-07-15. Review status: criteria provided, single submitter. Criteria: ACMG Guidelines, 2015. Collection method: clinical testing. Allele origin: germline. Affected: no. Observed: 60 variant alleles.
Comment: This variant is classified as Benign based on local population frequency. This variant was detected in 65% of patients studied in a panel designed for Epileptic and Developmental Encephalopathy and Progressive Myoclonus Epilepsy. Number of patients: 60. Only high quality variants are reported.

GeneDx
Classification: Benign. Last evaluated: 2020-11-20. Review status: criteria provided, single submitter. Criteria: GeneDx Variant Classification Process June 2021. Collection method: clinical testing. Allele origin: germline. Affected: yes.

Breakthrough Genomics
Classification: Benign. Review status: criteria provided, single submitter. Criteria: ACMG Guidelines, 2015. Collection method: not provided. Allele origin: germline. Inheritance: Autosomal recessive inheritance. Affected: yes.

NM_015192.4(PLCB1):c.3423+11993G>C

Gene: PLCB1 (phospholipase C beta 1; plus strand). Cytogenetic location: 20p12.3.
Variant type: single nucleotide variant.
Coding change: c.3423+11993G>C on transcript NM_015192.4 (MANE Select); 11993 bases into the intron after coding-DNA position 3423, G replaced by C.
Molecular consequence: intron variant.
Genome position (GRCh38, 1-based): chr20:8,802,254, G>C. VCF-style: chr20-8802254-G-C. GRCh37 (hg19) VCF-style: chr20-8782901-G-C.
Other names: c.*19+81G>C (NM_182734.3).
Identifiers: ClinVar variation 1251830 (VCV001251830.5), dbSNP rs6056128, ClinGen allele CA311283178.
Genomic context (GRCh38, chr20:8,802,254, plus strand): 5'-TCGCTTTTGAGAGAAGGGTGGTGTGTAGCCATCCAGTTTTCAGGCATCACGGACTTGCTC[G>C]TTTGTCCTTCATCCTCCCTTTCTCTACATTCCCATCTTTTTTTTCTGCTAAAGTTCCCAG-3'